The following is an entry in ClinVar:

ClinVar aggregate classification (germline): Pathogenic. Review status: criteria provided, multiple submitters, no conflicts (2 of 4 stars). 3 submissions from 3 submitters: Pathogenic (2). 1 of the submissions does not count toward it. Last evaluated 2024-08-06.

Conditions:
KRT14-related disorder. Also called: KRT14-related condition.

Submissions (3):

Blueprint Genetics
Classification: Pathogenic for KRT14-related disorders. Last evaluated: 2024-08-06. Review status: criteria provided, single submitter. Criteria: ACMG Guidelines, 2015. Collection method: clinical testing. Allele origin: germline. Affected: yes. Observed: 3 variant alleles.

GeneDx
Classification: Pathogenic. Last evaluated: 2016-12-19. Review status: criteria provided, single submitter. Criteria: GeneDx Variant Classification (06012015). Collection method: clinical testing. Allele origin: germline. Affected: yes.
Comment: The E411K variant has been published previously as a de novo finding in a patient with EBS-Dowling Meara and in a family of multiple members affected with EBS-generalized (Glasz-Bona et al., 2009; Kaneko et al., 2011). It was not observed in approximately 6,500 individuals of European and African American ancestry in the NHLBI Exome Sequencing Project, indicating it is not a common benign variant in these populations. E411K is a non-conservative amino acid substitution, which is likely to impact secondary protein structure as these residues differ in polarity, charge, size and/or other properties. This substitution occurs within a known mutational hotspot region (helix termination motif within the coil 2B region of the protein) that is highly conserved across all species and among all members of the keratin family. Many other pathogenic variants in patients with epidermolysis bullosa simplex have been reported in nearby residues (L408M, I412F/N/M, A413P, Y415H/C, R416P) according to the Human Gene Mutation Database (Stenson et al., 2014). It is well established that keratin gene mutations affecting the residues at the ends of the central rod domains of the keratin proteins (helix initiation and termination motifs) interfere with proper keratin intermediate filament assembly and function, resulting in skin fragility, blistering and/or hyperkeratosis (Chamcheu et al., 2011). Therefore, E411K is a pathogenic variant.

Epithelial Biology;  Institute of Medical Biology, Singapore
No classification provided. Review status: no classification provided. Collection method: not provided. Allele origin: not provided. Not counted in ClinVar's aggregate classification.

NM_000526.5(KRT14):c.1231G>A (p.Glu411Lys)

Gene: KRT14 (keratin 14; minus strand). Cytogenetic location: 17q21.2.
Variant type: single nucleotide variant.
Coding change: c.1231G>A on transcript NM_000526.5 (MANE Select); coding-DNA position 1231, G replaced by A.
Protein change: p.Glu411Lys; replaces glutamic acid 411 with lysine.
Molecular consequence: missense variant.
Genome position (GRCh38, 1-based): chr17:41,583,278, C>T on the plus strand (G>A on the coding strand, the complement: KRT14 is on the minus strand). VCF-style: chr17-41583278-C-T. GRCh37 (hg19) VCF-style: chr17-39739530-C-T.
Other names: short protein forms E411K.
Identifiers: ClinVar variation 66314 (VCV000066314.3), dbSNP rs61664582, ClinGen allele CA216846.